The following is an entry in ClinVar:

NM_000051.4(ATM):c.6178_6182del (p.Arg2060fs)

Genes: ATM (ATM serine/threonine kinase; plus strand), C11orf65 (chromosome 11 open reading frame 65; minus strand). Cytogenetic location: 11q22.3.
Variant type: Deletion.
Coding change: c.6178_6182del on transcript NM_000051.4 (MANE Select); coding-DNA positions 6178 to 6182, 5 bases deleted (CGCCA; older notation c.6178_6182delCGCCA).
Protein change: p.Arg2060fs; shifts the reading frame from arginine 2060.
Molecular consequence: frameshift variant. On other transcripts: intron variant (2).
Genome position (GRCh38, 1-based): chr11:108,316,093-108,316,097, CGCCA deleted; deleting any 5 consecutive bases within chr11:108,316,091-108,316,097 gives the same sequence; the c. name uses the placement nearest the transcript's 3' end. VCF-style (leftmost placement, unchanged base first): chr11-108316090-ACACGC-A. GRCh37 (hg19) VCF-style: chr11-108186817-ACACGC-A.
Other names: c.6178_6182del, p.Arg2060fs (NM_001351834.2); c.641-7024_641-7020del (NM_001330368.2); c.*39-7024_*39-7020del (NM_001351110.2); short protein forms R2060fs.
Identifiers: ClinVar variation 2506973 (VCV002506973.2), dbSNP rs2547096648, ClinGen allele CA2580615045.

ClinVar aggregate classification (germline): Pathogenic (1 of 4 stars; one submission).

Conditions:
Familial cancer of breast. Also called: BREAST CANCER, FAMILIAL; Hereditary breast cancer; hereditary breast carcinoma. Identifiers: Orphanet 227535, MedGen C0346153, MONDO:0016419, OMIM 114480. Disease mechanism: loss of function.

Submission:

KCCC/NGS Laboratory, Kuwait Cancer Control Center
Classification: Pathogenic for Familial cancer of breast. Last evaluated: 2023-06-06. Review status: criteria provided, single submitter. Criteria: ACMG Guidelines, 2015. Collection method: clinical testing. Allele origin: germline. Affected: yes.
Comment: A known pathogenic variantin the ATM gene (p.Arg2060fs) in this specimen. This sequence change creates a frameshift starting in exon 42 of the ATM gene. It is expected to result in an absent or disrupted protein product. This variant is not present in population databases (ExAC no frequency). This variant has no entry in ClinVar. However, ClinVar has an entry for a variant (ClinVar 654478) which creates a frameshift at the same position and reported to be pathogenic. This variant has not been reported in the literature in individuals with ATM-related disease. Loss-of-function variants in ATM are known to be pathogenic (PMID: 23807571, 25614872). For these reasons, this variant has been classified as Pathogenic. The cancer risk of individuals heterozygous for an ATM pathogenic variant is approximately four times that of the general population, primarily because of the increased risk for breast cancer. Potentially, it may increase the risk of ovarian cancer. There is insufficient evidence to suggest increased risk for pancreatic cancer. Homozygous or compound heterozygous mutations in the ATM gene are associated with ataxia- telangiectasia (A-T). Classic ataxia-telangiectasia is characterized by progressive cerebellar ataxia beginning between ages 1 and 4 years, oculomotor apraxia, choreoathetosis, telangiectasias of the conjunctivae, immunodeficiency, frequent infections, and an increased risk for malignancy, particularly leukemia and lymphoma. Individuals with A-T are unusually sensitive to ionizing radiation. Non-classic forms of A-T have included adult-onset A-T and A-T with early-onset dystonia.